The following is an entry in ClinVar:

NM_001164508.2(NEB):c.20670G>C (p.Lys6890Asn)

Gene: NEB (nebulin; minus strand). Cytogenetic location: 2q23.3.
Variant type: single nucleotide variant.
Coding change: c.20670G>C on transcript NM_001164508.2 (MANE Select); coding-DNA position 20670, G replaced by C.
Protein change: p.Lys6890Asn; replaces lysine 6890 with asparagine.
Molecular consequence: missense variant.
Genome position (GRCh38, 1-based): chr2:151,541,459, C>G on the plus strand (G>C on the coding strand, the complement: NEB is on the minus strand). VCF-style: chr2-151541459-C-G. GRCh37 (hg19) VCF-style: chr2-152397973-C-G.
Other names: c.20670G>C, p.Lys6890Asn (NM_001164507.2, NM_001271208.2); c.15567G>C, p.Lys5189Asn (NM_004543.5); short protein forms K6890N, K5189N.
Identifiers: ClinVar variation 1399525 (VCV001399525.8), dbSNP rs768041857, ClinGen allele CA348778715.

ClinVar aggregate classification (germline): Uncertain significance (1 of 4 stars; one submission).

Conditions:
Nemaline myopathy 2 (NEM2). Also called: Nemaline myopathy 2, autosomal recessive. Identifiers: MedGen C1850569, MONDO:0009725, OMIM 256030.

Submission:

Labcorp Genetics (formerly Invitae), Labcorp
Classification: Uncertain significance for Nemaline myopathy 2. Last evaluated: 2020-12-11. Review status: criteria provided, single submitter. Criteria: Invitae Variant Classification Sherloc (09022015). Collection method: clinical testing. Allele origin: germline.
Comment: Algorithms developed to predict the effect of missense changes on protein structure and function are either unavailable or do not agree on the potential impact of this missense change (SIFT: "Deleterious"; PolyPhen-2: "Not Available"; Align-GVGD: "Class C0"). In summary, the available evidence is currently insufficient to determine the role of this variant in disease. Therefore, it has been classified as a Variant of Uncertain Significance. This variant has not been reported in the literature in individuals with NEB-related conditions. This variant is not present in population databases (ExAC no frequency). This sequence change replaces lysine with asparagine at codon 6890 of the NEB protein (p.Lys6890Asn). The lysine residue is moderately conserved and there is a moderate physicochemical difference between lysine and asparagine.